The following is an entry in ClinVar:

NM_000152.5(GAA):c.1076-2A>G

Gene: GAA (alpha glucosidase; plus strand). Cytogenetic location: 17q25.3.
Variant type: single nucleotide variant.
Coding change: c.1076-2A>G on transcript NM_000152.5 (MANE Select); the canonical splice acceptor site of the intron before coding-DNA position 1076, A replaced by G.
Molecular consequence: splice acceptor variant.
Genome position (GRCh38, 1-based): chr17:80,108,487, A>G. VCF-style: chr17-80108487-A-G. GRCh37 (hg19) VCF-style: chr17-78082286-A-G.
Other names: c.1076-2A>G (NM_001406741.1, NM_001406742.1, NM_001079803.3 and 1 more transcripts).
Identifiers: ClinVar variation 370173 (VCV000370173.8), dbSNP rs1057516290, ClinGen allele CA16041887.
Genomic context (GRCh38, chr17:80,108,487, plus strand): 5'-GCCGCGGCCCCCGCCCCAAGGCTCCCTCCTCCCTCCCTCATGAAGTCGGCGTTGGCCTGC[A>G]GGATACCCGTTCATGCCGCCATACTGGGGCCTGGGCTTCCACCTGTGCCGCTGGGGCTAC-3'

ClinVar aggregate classification (germline): Pathogenic/Likely pathogenic. Review status: criteria provided, multiple submitters, no conflicts (2 of 4 stars). 4 submissions from 4 submitters: Pathogenic (2); Likely pathogenic (1). 1 of the submissions does not count toward it. Last evaluated 2025-08-14.

Conditions:
Glycogen storage disease, type II (IOPD). Also called: Pompe Disease; CARDIOMEGALIA GLYCOGENICA DIFFUSA; Glucosidase acid-1,4-alpha deficiency; GLYCOGENOSIS, GENERALIZED, CARDIAC FORM; GSD II; POMPE DISEASE, INFANTILE-ONSET. Identifiers: Orphanet 365, MedGen C0017921, MONDO:0009290, OMIM 232300.

Submissions (4):

Myriad Genetics, Inc.
Classification: Likely pathogenic for Glycogen storage disease, type II. Last evaluated: 2025-08-14. Review status: criteria provided, single submitter. Criteria: Myriad Autosomal Dominant, Autosomal Recessive and X-Linked Classification Criteria (2023). Collection method: clinical testing. Allele origin: unknown.
Comment: NM_000152.3(GAA):c.1076-2A>G is a variant in a canonical splice site classified as likely pathogenic in the context of Pompe disease. c.1076-2A>G has been observed in a case with relevant disease (PMID: 17027861). Relevant functional assessments of this variant are not available in the literature. c.1076-2A>G has not been observed in referenced population frequency databases. In summary, NM_000152.3(GAA):c.1076-2A>G is a variant in a canonical splice site in a gene where loss of function is a known mechanism of disease and is predicted to disrupt protein function. Please note: this variant was assessed in the context of healthy population screening.

Baylor Genetics
Classification: Pathogenic for Glycogen storage disease, type II. Last evaluated: 2023-07-08. Review status: criteria provided, single submitter. Criteria: ACMG Guidelines, 2015. Collection method: clinical testing. Allele origin: unknown.

Revvity Omics, Revvity
Classification: Pathogenic. Last evaluated: 2021-12-16. Review status: criteria provided, single submitter. Criteria: ACMG Guidelines, 2015. Collection method: clinical testing. Allele origin: germline.

Counsyl
Classification: Likely pathogenic for Glycogen storage disease, type II. Last evaluated: 2015-12-08. Review status: no assertion criteria provided. Collection method: clinical testing. Allele origin: unknown. Not counted in ClinVar's aggregate classification.

Literature cited by the submitters: PubMed 17027861 (cited by Myriad Genetics, Inc. and Counsyl).